The following is an entry in ClinVar:

ClinVar aggregate classification (germline): Uncertain significance (1 of 4 stars; one submission).

Allele frequency attached by ClinVar (database versions not stated): gnomAD exomes below 0.00001 and 0.00001; ExAC 0.00001; TOPMed 0.00001.
gnomAD v4.1: 3 of 1,613,250 alleles (0.00019%); highest among the groups gnomAD compares: Admixed American, 0.0017%; no homozygotes.

Submission:

Laboratory for Molecular Medicine, Mass General Brigham Personalized Medicine
Classification: Uncertain significance. Last evaluated: 2012-10-08. Review status: criteria provided, single submitter. Criteria: LMM Criteria. Collection method: clinical testing. Allele origin: germline. Observed: 1 variant allele.
Comment: The Ala22447Val variant in TTN has not been reported in the literature nor previ ously identified by our laboratory. The affected amino acid is not well conserve d in evolution, suggesting that a change at this position may not impact the pro tein. Additional information is needed to fully assess the clinical significance of the Ala22447Val variant.

NM_001267550.2(TTN):c.75044C>T (p.Ala25015Val)

Genes: TTN (titin; minus strand), TTN-AS1 (TTN antisense RNA 1; plus strand). Cytogenetic location: 2q31.2.
Variant type: single nucleotide variant.
Coding change: c.75044C>T on transcript NM_001267550.2 (MANE Select); coding-DNA position 75044, C replaced by T.
Protein change: p.Ala25015Val; replaces alanine 25015 with valine.
Molecular consequence: missense variant.
Genome position (GRCh38, 1-based): chr2:178,571,088, G>A on the plus strand (C>T on the coding strand, the complement: TTN is on the minus strand). VCF-style: chr2-178571088-G-A. GRCh37 (hg19) VCF-style: chr2-179435815-G-A.
Other names: c.67340C>T, p.Ala22447Val (NM_133378.4); c.70121C>T, p.Ala23374Val (NM_001256850.1); c.47849C>T, p.Ala15950Val (NM_003319.4); c.48224C>T, p.Ala16075Val (NM_133432.3); c.48425C>T, p.Ala16142Val (NM_133437.4); short protein forms A25015V, A22447V, A15950V, A16075V, A16142V, A23374V.
Identifiers: ClinVar variation 47336 (VCV000047336.5), dbSNP rs397517699, ClinGen allele CA140723.
Genomic context (GRCh38, chr2:178,571,088, plus strand): 5'-CCACCGTCATAGGTGGGTTTCTTCCACTGAAGAGTCACAGAATTCCTTGTGACAATGATT[G>A]CCTCTGGCCGTCCTGGTGGATCACATGGGTCACGAGCCACATAACATTCTGATACTTTAC-3'
Protein context (NP_001254479.2, residues 25005-25025): DPCDPPGRPE[Ala25015Val]IIVTRNSVTL